The following is an entry in ClinVar:

NM_021938.4(CELF5):c.661_664dup (p.Arg222fs)

Gene: CELF5 (CUGBP Elav-like family member 5; plus strand). Cytogenetic location: 19p13.3.
Variant type: Duplication.
Coding change: c.661_664dup on transcript NM_021938.4 (MANE Select); coding-DNA positions 661 to 664, 4 bases duplicated (CGGC; older notation c.661_664dupCGGC).
Protein change: p.Arg222fs; shifts the reading frame from arginine 222.
Molecular consequence: frameshift variant. On other transcripts: non-coding transcript variant (1).
Genome position (GRCh38, 1-based): chr19:3,281,256-3,281,259, CGGC duplicated; duplicating any 4 consecutive bases within chr19:3,281,255-3,281,259 gives the same sequence; the c. name uses the placement nearest the transcript's 3' end. VCF-style (leftmost placement, unchanged base first): chr19-3281254-T-TCCGG. GRCh37 (hg19) VCF-style: chr19-3281252-T-TCCGG.
Other names: c.661_664dup, p.Arg222fs (NM_001172673.2); short protein forms R222fs.
Identifiers: ClinVar variation 373409 (VCV000373409.1), dbSNP rs1057518402, ClinGen allele CA16043187.

ClinVar aggregate classification (germline): Uncertain significance (1 of 4 stars; one submission).

Submission:

GeneDx
Classification: Uncertain significance. Last evaluated: 2016-12-06. Review status: criteria provided, single submitter. Criteria: GeneDx Variant Classification (06012015). Collection method: clinical testing. Allele origin: germline. Affected: yes.
Comment: The c.661_664dupCGGC variant in the CELF5 gene has not been reported previously as a pathogenic variant nor as a benign variant, to our knowledge. The c.661_664dupCGGC variant causes a frameshift starting with codon Arginine 222, changes this amino acid to a Proline residue, and creates a premature Stop codon at position 158 of the new reading frame, denoted p.Arg222ProfsX158. This variant is predicted to cause loss of normal protein function either through protein truncation or nonsense-mediated mRNA decay. The c.661_664dupCGGC variant was not observed in approximately 6500 individuals of European and African American ancestry in the NHLBI Exome Sequencing Project, indicating it is not a common benign variant in these populations. We interpret c.661_664dupCGGC as a variant of uncertain significance.